The following is an entry in ClinVar:

ClinVar aggregate classification (germline): Pathogenic/Likely pathogenic. Review status: criteria provided, multiple submitters, no conflicts (2 of 4 stars). 2 submissions from 2 submitters: Pathogenic (1); Likely pathogenic (1). Last evaluated 2024-06-18.

Conditions:
Autosomal dominant Robinow syndrome 3. Identifiers: Orphanet 3107, Orphanet 97360, MedGen C4225164, MONDO:0014819, OMIM 616894.
Autosomal dominant omodysplasia. Identifiers: Orphanet 2733, Orphanet 93328, MedGen C2750355, MONDO:0008123, OMIM 164745.

Submissions (2):

Greenwood Genetic Center Diagnostic Laboratories, Greenwood Genetic Center
Classification: Pathogenic for Autosomal dominant omodysplasia. Last evaluated: 2024-06-18. Review status: criteria provided, single submitter. Criteria: ACMG Guidelines, 2015. Collection method: clinical testing. Allele origin: germline. Affected: yes.
Comment: PS1, PS4_Supporting, PM1, PM2, PM5, PP2, PP3

Lupski Lab, Baylor-Hopkins CMG, Baylor College of Medicine
Classification: Likely pathogenic for Autosomal dominant Robinow syndrome 3. Last evaluated: 2017-06-01. Review status: criteria provided, single submitter. Criteria: White et al. (Am J Hum Genet. 2018). Collection method: research. Allele origin: unknown. Affected: yes. Observed: 3 variant alleles.

NM_001466.4(FZD2):c.1301G>T (p.Gly434Val)

Gene: FZD2 (frizzled class receptor 2; plus strand). Cytogenetic location: 17q21.31.
Variant type: single nucleotide variant.
Coding change: c.1301G>T on transcript NM_001466.4 (MANE Select); coding-DNA position 1301, G replaced by T.
Protein change: p.Gly434Val; replaces glycine 434 with valine.
Molecular consequence: missense variant.
Genome position (GRCh38, 1-based): chr17:44,558,989, G>T. VCF-style: chr17-44558989-G-T. GRCh37 (hg19) VCF-style: chr17-42636357-G-T.
Other names: short protein forms G434V.
Identifiers: ClinVar variation 488050 (VCV000488050.2), dbSNP rs1555657073, ClinGen allele CA399798732.